The following is an entry in ClinVar:

NM_000355.4(TCN2):c.802C>T (p.Leu268Phe)

Gene: TCN2 (transcobalamin 2; plus strand). Cytogenetic location: 22q12.2.
Variant type: single nucleotide variant.
Coding change: c.802C>T on transcript NM_000355.4 (MANE Select); coding-DNA position 802, C replaced by T.
Protein change: p.Leu268Phe; replaces leucine 268 with phenylalanine.
Molecular consequence: missense variant.
Genome position (GRCh38, 1-based): chr22:30,615,649, C>T. VCF-style: chr22-30615649-C-T. GRCh37 (hg19) VCF-style: chr22-31011636-C-T.
Other names: c.721C>T, p.Leu241Phe (NM_001184726.2); short protein forms L268F, L241F.
Identifiers: ClinVar variation 1363952 (VCV001363952.6), dbSNP rs2145544995, ClinGen allele CA411213180.

ClinVar aggregate classification (germline): Uncertain significance (1 of 4 stars; one submission).

Conditions:
Transcobalamin II deficiency (TCN2D). Also called: Transcolabamin II deficiency; TC II DEFICIENCY; TCN2 DEFICIENCY. Identifiers: Orphanet 859, MedGen C0342701, MONDO:0010149, OMIM 275350.

Submission:

Labcorp Genetics (formerly Invitae), Labcorp
Classification: Uncertain significance for Transcobalamin II deficiency. Last evaluated: 2022-07-01. Review status: criteria provided, single submitter. Criteria: Invitae Variant Classification Sherloc (09022015). Collection method: clinical testing. Allele origin: germline.
Comment: In summary, the available evidence is currently insufficient to determine the role of this variant in disease. Therefore, it has been classified as a Variant of Uncertain Significance. Algorithms developed to predict the effect of missense changes on protein structure and function are either unavailable or do not agree on the potential impact of this missense change (SIFT: "Tolerated"; PolyPhen-2: "Possibly Damaging"; Align-GVGD: "Class C0"). ClinVar contains an entry for this variant (Variation ID: 1363952). This variant has not been reported in the literature in individuals affected with TCN2-related conditions. This variant is not present in population databases (gnomAD no frequency). This sequence change replaces leucine, which is neutral and non-polar, with phenylalanine, which is neutral and non-polar, at codon 268 of the TCN2 protein (p.Leu268Phe).